The following is an entry in ClinVar:

ClinVar aggregate classification (germline): Uncertain significance (1 of 4 stars; one submission).

Conditions:
Gorlin syndrome. Also called: Basal cell nevus syndrome; Nevoid Basal Cell Carcinoma Syndrome. Identifiers: Orphanet 377, MedGen C0004779, MONDO:0007187.

Submission:

Labcorp Genetics (formerly Invitae), Labcorp
Classification: Uncertain significance for Gorlin syndrome. Last evaluated: 2023-06-02. Review status: criteria provided, single submitter. Criteria: Invitae Variant Classification Sherloc (09022015). Collection method: clinical testing. Allele origin: germline.
Comment: This variant has not been reported in the literature in individuals affected with PTCH2-related conditions. In summary, the available evidence is currently insufficient to determine the role of this variant in disease. Therefore, it has been classified as a Variant of Uncertain Significance. An algorithm developed to predict the effect of missense changes on protein structure and function (PolyPhen-2) suggests that this variant is likely to be tolerated. This variant is not present in population databases (gnomAD no frequency). This sequence change replaces leucine, which is neutral and non-polar, with valine, which is neutral and non-polar, at codon 30 of the PTCH2 protein (p.Leu30Val).

NM_003738.5(PTCH2):c.88C>G (p.Leu30Val)

Gene: PTCH2 (patched 2; minus strand). Cytogenetic location: 1p34.1.
Variant type: single nucleotide variant.
Coding change: c.88C>G on transcript NM_003738.5 (MANE Select); coding-DNA position 88, C replaced by G.
Protein change: p.Leu30Val; replaces leucine 30 with valine.
Molecular consequence: missense variant.
Genome position (GRCh38, 1-based): chr1:44,842,024, G>C on the plus strand (C>G on the coding strand, the complement: PTCH2 is on the minus strand). VCF-style: chr1-44842024-G-C. GRCh37 (hg19) VCF-style: chr1-45307696-G-C.
Other names: c.88C>G, p.Leu30Val (NM_001166292.2); short protein forms L30V.
Identifiers: ClinVar variation 2906680 (VCV002906680.3), dbSNP rs2522088878, ClinGen allele CA340111035.